The following is an entry in ClinVar:

NM_007255.3(B4GALT7):c.486C>G (p.His162Gln)

Gene: B4GALT7 (beta-1,4-galactosyltransferase 7; plus strand). Cytogenetic location: 5q35.3.
Variant type: single nucleotide variant.
Coding change: c.486C>G on transcript NM_007255.3 (MANE Select); coding-DNA position 486, C replaced by G.
Protein change: p.His162Gln; replaces histidine 162 with glutamine.
Molecular consequence: missense variant.
Genome position (GRCh38, 1-based): chr5:177,607,374, C>G. VCF-style: chr5-177607374-C-G. GRCh37 (hg19) VCF-style: chr5-177034375-C-G.
Other names: short protein forms H162Q.
Identifiers: ClinVar variation 1525791 (VCV001525791.6), dbSNP rs370142626, ClinGen allele CA362375222.

ClinVar aggregate classification (germline): Uncertain significance (1 of 4 stars; one submission).

Conditions:
Spondylodysplastic Ehlers-Danlos syndrome. Identifiers: Orphanet 536471, Orphanet 75496, MedGen C5680154, MONDO:0007526.

gnomAD v4.1: 33 of 1,613,948 alleles (0.002%); highest among the groups gnomAD compares: Admixed American, 0.052%; no homozygotes.

Submission:

Labcorp Genetics (formerly Invitae), Labcorp
Classification: Uncertain significance for Spondylodysplastic Ehlers-Danlos syndrome. Last evaluated: 2024-07-27. Review status: criteria provided, single submitter. Criteria: Invitae Variant Classification Sherloc (09022015). Collection method: clinical testing. Allele origin: germline.
Comment: This sequence change replaces histidine, which is basic and polar, with glutamine, which is neutral and polar, at codon 162 of the B4GALT7 protein (p.His162Gln). This variant is present in population databases (no rsID available, gnomAD 0.04%). This variant has not been reported in the literature in individuals affected with B4GALT7-related conditions. ClinVar contains an entry for this variant (Variation ID: 1525791). Advanced modeling of protein sequence and biophysical properties (such as structural, functional, and spatial information, amino acid conservation, physicochemical variation, residue mobility, and thermodynamic stability) performed at Invitae indicates that this missense variant is expected to disrupt B4GALT7 protein function with a positive predictive value of 80%. In summary, the available evidence is currently insufficient to determine the role of this variant in disease. Therefore, it has been classified as a Variant of Uncertain Significance.